The following is an entry in ClinVar:

ClinVar aggregate classification (germline): Uncertain significance. Review status: criteria provided, multiple submitters, no conflicts (2 of 4 stars). 2 submissions from 2 submitters: Uncertain significance (2). Last evaluated 2024-11-28.

Conditions:
Inborn genetic diseases. Identifiers: MedGen C0950123, MeSH D030342.
Fanconi anemia (FA). Also called: Fanconi's anemia. Identifiers: Orphanet 84, MedGen C0015625, MeSH D005199, MONDO:0019391.

Submissions (2):

Ambry Genetics
Classification: Uncertain significance for Inborn genetic diseases. Last evaluated: 2024-11-28. Review status: criteria provided, single submitter. Criteria: Ambry Variant Classification Scheme 2023. Collection method: clinical testing. Allele origin: germline.
Comment: The p.E860D variant (also known as c.2580A>T), located in coding exon 14 of the FANCM gene, results from an A to T substitution at nucleotide position 2580. The glutamic acid at codon 860 is replaced by aspartic acid, an amino acid with highly similar properties. This amino acid position is conserved. In addition, this alteration is predicted to be tolerated by in silico analysis. Based on the available evidence, the clinical significance of this variant remains unclear.

Labcorp Genetics (formerly Invitae), Labcorp
Classification: Uncertain significance for Fanconi anemia. Last evaluated: 2024-05-24. Review status: criteria provided, single submitter. Criteria: Invitae Variant Classification Sherloc (09022015). Collection method: clinical testing. Allele origin: germline.
Comment: This sequence change replaces glutamic acid, which is acidic and polar, with aspartic acid, which is acidic and polar, at codon 860 of the FANCM protein (p.Glu860Asp). This variant is not present in population databases (gnomAD no frequency). This variant has not been reported in the literature in individuals affected with FANCM-related conditions. An algorithm developed to predict the effect of missense changes on protein structure and function (PolyPhen-2) suggests that this variant is likely to be tolerated. In summary, the available evidence is currently insufficient to determine the role of this variant in disease. Therefore, it has been classified as a Variant of Uncertain Significance.

NM_020937.4(FANCM):c.2580A>T (p.Glu860Asp)

Gene: FANCM (FA complementation group M; plus strand). Cytogenetic location: 14q21.2.
Variant type: single nucleotide variant.
Coding change: c.2580A>T on transcript NM_020937.4 (MANE Select); coding-DNA position 2580, A replaced by T.
Protein change: p.Glu860Asp; replaces glutamic acid 860 with aspartic acid.
Molecular consequence: missense variant.
Genome position (GRCh38, 1-based): chr14:45,175,334, A>T. VCF-style: chr14-45175334-A-T. GRCh37 (hg19) VCF-style: chr14-45644537-A-T.
Other names: c.2502A>T, p.Glu834Asp (NM_001308133.2); short protein forms E860D, E834D.
Identifiers: ClinVar variation 3512938 (VCV003512938.3).